The following is an entry in ClinVar:

ClinVar aggregate classification (germline): Uncertain significance (1 of 4 stars; one submission).

Conditions:
Leber congenital amaurosis 8 (LCA8). Identifiers: Orphanet 65, MedGen C3151202, MONDO:0013453, OMIM 613835.
Retinitis pigmentosa 12 (RP12). Also called: RP WITH OR WITHOUT PPRPE; RP WITH OR WITHOUT PRESERVED PARAARTERIOLE RETINAL PIGMENT EPITHELIUM; RETINITIS PIGMENTOSA WITH OR WITHOUT PARAARTERIOLAR PRESERVATION OF RETINAL PIGMENT EPITHELIUM. Identifiers: Orphanet 791, MedGen C1838647, MONDO:0010818, OMIM 600105.

Allele frequency attached by ClinVar (database versions not stated): gnomAD exomes below 0.00001.

Submission:

Labcorp Genetics (formerly Invitae), Labcorp
Classification: Uncertain significance for Leber congenital amaurosis 8; Retinitis pigmentosa 12. Last evaluated: 2021-08-20. Review status: criteria provided, single submitter. Criteria: Invitae Variant Classification Sherloc (09022015). Collection method: clinical testing. Allele origin: germline.
Comment: This sequence change replaces leucine with glutamine at codon 538 of the CRB1 protein (p.Leu538Gln). The leucine residue is highly conserved and there is a moderate physicochemical difference between leucine and glutamine. This variant is not present in population databases (ExAC no frequency). This variant has not been reported in the literature in individuals affected with CRB1-related conditions. Advanced modeling of protein sequence and biophysical properties (such as structural, functional, and spatial information, amino acid conservation, physicochemical variation, residue mobility, and thermodynamic stability) performed at Invitae indicates that this missense variant is not expected to disrupt CRB1 protein function. In summary, the available evidence is currently insufficient to determine the role of this variant in disease. Therefore, it has been classified as a Variant of Uncertain Significance.

NM_201253.3(CRB1):c.1613T>A (p.Leu538Gln)

Gene: CRB1 (crumbs cell polarity complex component 1; plus strand). Cytogenetic location: 1q31.3.
Variant type: single nucleotide variant.
Coding change: c.1613T>A on transcript NM_201253.3 (MANE Select); coding-DNA position 1613, T replaced by A.
Protein change: p.Leu538Gln; replaces leucine 538 with glutamine.
Molecular consequence: missense variant. On other transcripts: non-coding transcript variant (2).
Genome position (GRCh38, 1-based): chr1:197,421,441, T>A. VCF-style: chr1-197421441-T-A. GRCh37 (hg19) VCF-style: chr1-197390571-T-A.
Other names: c.1277T>A, p.Leu426Gln (NM_001193640.2); c.1406T>A, p.Leu469Gln (NM_001257965.2); c.1613T>A, p.Leu538Gln (NM_001257966.2); short protein forms L426Q, L469Q, L538Q.
Identifiers: ClinVar variation 1350416 (VCV001350416.5), dbSNP rs1664310357, ClinGen allele CA344031695.
Genomic context (GRCh38, chr1:197,421,441, plus strand): 5'-AGCCAATGGCTCTTCTACTTTTCCGAAGCAACAGGGATGTGTTTGTGAAGCTGGAGCTGC[T>A]AAGTGGCTACATTCACTTATCAATTCAGGTCAATAATCAGTCAAAGGTGCTTCTGTTCAT-3'
Protein context (NP_957705.1, residues 528-548): NRDVFVKLEL[Leu538Gln]SGYIHLSIQV